The following is an entry in ClinVar:

ClinVar aggregate classification (germline): Uncertain significance (1 of 4 stars; one submission).

Conditions:
Amyloidosis, hereditary systemic 1 (AMYLD1). Also called: AMYLOID CARDIOMYOPATHY; Hereditary oculoleptomeningeal amyloid angiopathy; Familial Transthyretin Amyloidosis; Hereditary Transthyretin Amyloidosis; Familial amyloid polyneuropathy; Transthyretin Amyloidosis. Identifiers: Orphanet 85447, Orphanet 85451, MedGen C2751492, MONDO:0971004, OMIM 105210.

Submission:

Labcorp Genetics (formerly Invitae), Labcorp
Classification: Uncertain significance for Amyloidosis, hereditary systemic 1. Last evaluated: 2022-11-11. Review status: criteria provided, single submitter. Criteria: Invitae Variant Classification Sherloc (09022015). Collection method: clinical testing. Allele origin: germline.
Comment: This sequence change replaces leucine, which is neutral and non-polar, with proline, which is neutral and non-polar, at codon 37 of the TTR protein (p.Leu37Pro). This variant is not present in population databases (gnomAD no frequency). This variant has not been reported in the literature in individuals affected with TTR-related conditions. Advanced modeling of protein sequence and biophysical properties (such as structural, functional, and spatial information, amino acid conservation, physicochemical variation, residue mobility, and thermodynamic stability) performed at Invitae indicates that this missense variant is expected to disrupt TTR protein function. In summary, the available evidence is currently insufficient to determine the role of this variant in disease. Therefore, it has been classified as a Variant of Uncertain Significance.

NM_000371.4(TTR):c.110T>C (p.Leu37Pro)

Gene: TTR (transthyretin; plus strand). Cytogenetic location: 18q12.1.
Variant type: single nucleotide variant.
Coding change: c.110T>C on transcript NM_000371.4 (MANE Select); coding-DNA position 110, T replaced by C.
Protein change: p.Leu37Pro; replaces leucine 37 with proline.
Molecular consequence: missense variant.
Genome position (GRCh38, 1-based): chr18:31,592,936, T>C. VCF-style: chr18-31592936-T-C. GRCh37 (hg19) VCF-style: chr18-29172899-T-C.
Other names: short protein forms L37P.
Identifiers: ClinVar variation 1720654 (VCV001720654.5), dbSNP rs2510932354, ClinGen allele CA402156599.
Genomic context (GRCh38, chr18:31,592,936, plus strand): 5'-CGTGTCTTCTCTACACCCAGGGCACCGGTGAATCCAAGTGTCCTCTGATGGTCAAAGTTC[T>C]AGATGCTGTCCGAGGCAGTCCTGCCATCAATGTGGCCGTGCATGTGTTCAGAAAGGCTGC-3'
Protein context (NP_000362.1, residues 27-47): ESKCPLMVKV[Leu37Pro]DAVRGSPAIN